The following is an entry in ClinVar:

NM_052867.4(NALCN):c.3541C>T (p.Arg1181Ter)

Gene: NALCN (sodium leak channel, non-selective; minus strand). Cytogenetic location: 13q32.3.
Variant type: single nucleotide variant.
Coding change: c.3541C>T on transcript NM_052867.4 (MANE Select); coding-DNA position 3541, C replaced by T.
Protein change: p.Arg1181Ter; replaces arginine 1181 with a stop codon.
Molecular consequence: nonsense.
Genome position (GRCh38, 1-based): chr13:101,083,753, G>A on the plus strand (C>T on the coding strand, the complement: NALCN is on the minus strand). VCF-style: chr13-101083753-G-A. GRCh37 (hg19) VCF-style: chr13-101736104-G-A.
Other names: c.3628C>T, p.Arg1210Ter (NM_001350748.2); c.3541C>T, p.Arg1181Ter (NM_001350749.2); c.3454C>T, p.Arg1152Ter (NM_001350750.2, NM_001350751.2); short protein forms R1181*, R1152*, R1210*.
Identifiers: ClinVar variation 2778414 (VCV002778414.3), dbSNP rs751434431, ClinGen allele CA255408556.

ClinVar aggregate classification (germline): Pathogenic (1 of 4 stars; one submission).

Allele frequency attached by ClinVar (database versions not stated): gnomAD exomes below 0.00001; TOPMed below 0.00001.
gnomAD v4.1: 1 of 1,613,838 alleles (0.000062%); highest among the groups gnomAD compares: Non-Finnish European, 0.000085%; no homozygotes.

Submission:

Labcorp Genetics (formerly Invitae), Labcorp
Classification: Pathogenic. Last evaluated: 2024-02-05. Review status: criteria provided, single submitter. Criteria: Invitae Variant Classification Sherloc (09022015). Collection method: clinical testing. Allele origin: germline.
Comment: This sequence change creates a premature translational stop signal (p.Arg1181*) in the NALCN gene. It is expected to result in an absent or disrupted protein product. Loss-of-function variants in NALCN are known to be pathogenic (PMID: 23749988, 24075186). This variant is not present in population databases (gnomAD no frequency). This variant has not been reported in the literature in individuals affected with NALCN-related conditions. For these reasons, this variant has been classified as Pathogenic.

Literature cited by the submitters: PubMed 23749988; PubMed 24075186.